The following is an entry in ClinVar:

NM_139076.3(ABRAXAS1):c.467C>T (p.Pro156Leu)

Gene: ABRAXAS1 (abraxas 1, BRCA1 A complex subunit; minus strand). Cytogenetic location: 4q21.23.
Variant type: single nucleotide variant.
Coding change: c.467C>T on transcript NM_139076.3 (MANE Select); coding-DNA position 467, C replaced by T.
Protein change: p.Pro156Leu; replaces proline 156 with leucine.
Molecular consequence: missense variant.
Genome position (GRCh38, 1-based): chr4:83,470,212, G>A on the plus strand (C>T on the coding strand, the complement: ABRAXAS1 is on the minus strand). VCF-style: chr4-83470212-G-A. GRCh37 (hg19) VCF-style: chr4-84391365-G-A.
Other names: c.140C>T, p.Pro47Leu (NM_001345962.2); short protein forms P156L, P47L.
Identifiers: ClinVar variation 1015875 (VCV001015875.8), dbSNP rs1722527633, ClinGen allele CA357259681.

ClinVar aggregate classification (germline): Uncertain significance (1 of 4 stars; one submission).

gnomAD v4.1: 1 of 1,609,704 alleles (0.000062%); highest among the groups gnomAD compares: East Asian, 0.0022%; no homozygotes.

Submission:

Labcorp Genetics (formerly Invitae), Labcorp
Classification: Uncertain significance. Last evaluated: 2022-08-23. Review status: criteria provided, single submitter. Criteria: Invitae Variant Classification Sherloc (09022015). Collection method: clinical testing. Allele origin: germline.
Comment: In summary, the available evidence is currently insufficient to determine the role of this variant in disease. Therefore, it has been classified as a Variant of Uncertain Significance. Algorithms developed to predict the effect of missense changes on protein structure and function are either unavailable or do not agree on the potential impact of this missense change (SIFT: "Deleterious"; PolyPhen-2: "Benign"; Align-GVGD: "Class C0"). ClinVar contains an entry for this variant (Variation ID: 1015875). This variant has not been reported in the literature in individuals affected with ABRAXAS1-related conditions. This variant is not present in population databases (gnomAD no frequency). This sequence change replaces proline, which is neutral and non-polar, with leucine, which is neutral and non-polar, at codon 156 of the ABRAXAS1 protein (p.Pro156Leu).